The following is an entry in ClinVar:

ClinVar aggregate classification (germline): Uncertain significance (1 of 4 stars; one submission).

Conditions:
Deficiency of alpha-mannosidase (MANSA). Also called: LYSOSOMAL ALPHA-D-MANNOSIDASE DEFICIENCY; Mannosidosis, alpha-, types I and II; Alpha-Mannosidosis. Identifiers: Orphanet 61, MedGen C0024748, MONDO:0009561, OMIM 248500.

Submission:

Labcorp Genetics (formerly Invitae), Labcorp
Classification: Uncertain significance for Deficiency of alpha-mannosidase. Last evaluated: 2021-02-28. Review status: criteria provided, single submitter. Criteria: Invitae Variant Classification Sherloc (09022015). Collection method: clinical testing. Allele origin: germline.
Comment: In summary, the available evidence is currently insufficient to determine the role of this variant in disease. Therefore, it has been classified as a Variant of Uncertain Significance. Algorithms developed to predict the effect of missense changes on protein structure and function output the following: SIFT: "Tolerated"; PolyPhen-2: "Benign"; Align-GVGD: "Class C0". The threonine amino acid residue is found in multiple mammalian species, suggesting that this missense change does not adversely affect protein function. These predictions have not been confirmed by published functional studies and their clinical significance is uncertain. This variant has not been reported in the literature in individuals with MAN2B1-related conditions. This variant is not present in population databases (ExAC no frequency). This sequence change replaces alanine with threonine at codon 581 of the MAN2B1 protein (p.Ala581Thr). The alanine residue is weakly conserved and there is a small physicochemical difference between alanine and threonine.

NM_000528.4(MAN2B1):c.1741G>A (p.Ala581Thr)

Gene: MAN2B1 (mannosidase alpha class 2B member 1; minus strand). Cytogenetic location: 19p13.13.
Variant type: single nucleotide variant.
Coding change: c.1741G>A on transcript NM_000528.4 (MANE Select); coding-DNA position 1741, G replaced by A.
Protein change: p.Ala581Thr; replaces alanine 581 with threonine.
Molecular consequence: missense variant.
Genome position (GRCh38, 1-based): chr19:12,655,783, C>T on the plus strand (G>A on the coding strand, the complement: MAN2B1 is on the minus strand). VCF-style: chr19-12655783-C-T. GRCh37 (hg19) VCF-style: chr19-12766597-C-T.
Other names: c.1738G>A, p.Ala580Thr (NM_001173498.2); short protein forms A581T, A580T.
Identifiers: ClinVar variation 1444890 (VCV001444890.8), dbSNP rs2145250381, ClinGen allele CA404244863.
Genomic context (GRCh38, chr19:12,655,783, plus strand): 5'-AGGATCTTCTGGGGATGGGCTGTGGTGCGCGGGCCTGGGGCTTCCAGCGAGGCACCTGGG[C>T]TACTGAATAGGTGCTGAAGCCCAGGGCGGGCAGTGAGGCTGAGAACAGCAGCTCCGGAGG-3'
Protein context (NP_000519.2, residues 571-591): PALGFSTYSV[Ala581Thr]QVPRWKPQAR